The following is an entry in ClinVar:

NM_000083.3(CLCN1):c.1937T>C (p.Met646Thr)

Genes: CLCN1 (chloride voltage-gated channel 1; plus strand), LOC123956257 (Sharpr-MPRA regulatory region 4117; plus strand). Cytogenetic location: 7q34.
Variant type: single nucleotide variant.
Coding change: c.1937T>C on transcript NM_000083.3 (MANE Select); coding-DNA position 1937, T replaced by C.
Protein change: p.Met646Thr; replaces methionine 646 with threonine.
Molecular consequence: missense variant. On other transcripts: non-coding transcript variant (1).
Genome position (GRCh38, 1-based): chr7:143,345,527, T>C. VCF-style: chr7-143345527-T-C. GRCh37 (hg19) VCF-style: chr7-143042620-T-C.
Other names: c.1937T>C (NM_000083.2); short protein forms M646T.
Identifiers: ClinVar variation 3751735 (VCV003751735.3).

ClinVar aggregate classification (germline): Conflicting classifications of pathogenicity. Review status: criteria provided, conflicting classifications (1 of 4 stars). 2 submissions from 2 submitters: Likely pathogenic (1); Uncertain significance (1). Last evaluated 2025-07-17.

Conditions:
Congenital myotonia, autosomal dominant form (THD). Also called: THOMSEN DISEASE; Myotonia congenita autosomal dominant. Identifiers: Orphanet 614, MedGen C2936781, MONDO:0008055, OMIM 160800.
Congenital myotonia, autosomal recessive form. Also called: Becker Generalized Myotonia; myotonia congenita, autosomal recessive; BECKER DISEASE. Identifiers: Orphanet 614, MedGen C0751360, MONDO:0009715, OMIM 255700.

gnomAD v4.1: 22 of 1,534,554 alleles (0.0014%); highest among the groups gnomAD compares: Non-Finnish European, 0.0019%; no homozygotes.

Submissions (2):

GeneDx
Classification: Likely pathogenic. Last evaluated: 2025-07-17. Review status: criteria provided, single submitter. Criteria: GeneDx Variant Classification Process June 2021. Collection method: clinical testing. Allele origin: germline. Affected: yes.
Comment: Not observed at significant frequency in large population cohorts (gnomAD); In silico analysis supports that this missense variant has a deleterious effect on protein structure/function; This variant is associated with the following publications: (PMID: 34529042, 22094069, 18337730)

Labcorp Genetics (formerly Invitae), Labcorp
Classification: Uncertain significance for Congenital myotonia, autosomal recessive form; Congenital myotonia, autosomal dominant form. Last evaluated: 2025-01-20. Review status: criteria provided, single submitter. Criteria: Invitae Variant Classification Sherloc (09022015). Collection method: clinical testing. Allele origin: germline.
Comment: This sequence change replaces methionine, which is neutral and non-polar, with threonine, which is neutral and polar, at codon 646 of the CLCN1 protein (p.Met646Thr). This variant is not present in population databases (gnomAD no frequency). This missense change has been observed in individual(s) with clinical features of autosomal recessive myotonia congenita (PMID: 34529042; internal data). In at least one individual the data is consistent with being in trans (on the opposite chromosome) from a pathogenic variant. Invitae Evidence Modeling of protein sequence and biophysical properties (such as structural, functional, and spatial information, amino acid conservation, physicochemical variation, residue mobility, and thermodynamic stability) has been performed for this missense variant. However, the output from this modeling did not meet the statistical confidence thresholds required to predict the impact of this variant on CLCN1 protein function. Experimental studies have shown that this missense change does not substantially affect CLCN1 function (PMID: 34529042). This variant disrupts the p.Met646 amino acid residue in CLCN1. Other variant(s) that disrupt this residue have been determined to be pathogenic (PMID: 18337730). This suggests that this residue is clinically significant, and that variants that disrupt this residue are likely to be disease-causing. In summary, the available evidence is currently insufficient to determine the role of this variant in disease. Therefore, it has been classified as a Variant of Uncertain Significance.

Literature cited by the submitters: PubMed 34529042 (cited by Labcorp Genetics (formerly Invitae), Labcorp); PubMed 18337730 (cited by Labcorp Genetics (formerly Invitae), Labcorp).